The following is an entry in ClinVar:

NM_001270.4(CHD1):c.340C>T (p.His114Tyr)

Gene: CHD1 (chromodomain helicase DNA binding protein 1; minus strand). Cytogenetic location: 5q21.1.
Variant type: single nucleotide variant.
Coding change: c.340C>T on transcript NM_001270.4 (MANE Select); coding-DNA position 340, C replaced by T.
Protein change: p.His114Tyr; replaces histidine 114 with tyrosine.
Molecular consequence: missense variant. On other transcripts: non-coding transcript variant (2).
Genome position (GRCh38, 1-based): chr5:98,903,824, G>A on the plus strand (C>T on the coding strand, the complement: CHD1 is on the minus strand). VCF-style: chr5-98903824-G-A. GRCh37 (hg19) VCF-style: chr5-98239528-G-A.
Other names: c.340C>T, p.His114Tyr (NM_001364113.3, NM_001376194.2); short protein forms H114Y.
Identifiers: ClinVar variation 3902067 (VCV003902067.1).

ClinVar aggregate classification (germline): Uncertain significance (1 of 4 stars; one submission).

Conditions:
Pilarowski-Bjornsson syndrome. Also called: DEVELOPMENTAL DELAY AND SPEECH APRAXIA WITH OR WITHOUT SEIZURES. Identifiers: Orphanet 529965, MedGen C4540131, MONDO:0060568, OMIM 617682.

Submission:

Laboratorio de Genetica e Diagnostico Molecular, Hospital Israelita Albert Einstein
Classification: Uncertain significance for Pilarowski-Bjornsson syndrome. Last evaluated: 2024-11-21. Review status: criteria provided, single submitter. Criteria: ACMG Guidelines, 2015. Collection method: clinical testing. Allele origin: germline. Affected: yes.
Comment: ACMG classification criteria: PM2 supporting, PP2 supporting, BP4 supporting